The following continues an entry in ClinVar:

NM_000256.3(MYBPC3):c.442G>A (p.Gly148Arg)

Gene: MYBPC3. ClinVar aggregate classification (germline): Conflicting classifications of pathogenicity. Pathogenic (5); Likely pathogenic (11); Uncertain significance (9).

Submissions 19 to 28 of 28:

AiLife Diagnostics
Classification: Uncertain significance. Last evaluated: 2021-10-09. Review status: criteria provided, single submitter. Criteria: ACMG Guidelines, 2015. Collection method: clinical testing. Allele origin: germline. Affected: yes. Observed: 3 variant alleles.

ARUP Laboratories, Molecular Genetics and Genomics, ARUP Laboratories
Classification: Likely pathogenic. Last evaluated: 2019-09-15. Review status: criteria provided, single submitter. Criteria: ARUP Molecular Germline Variant Investigation Process. Collection method: clinical testing. Allele origin: germline.
Comment: The MYBPC3 c.442G>A; p.Gly148Arg variant (rs397516050) is reported in the literature in at least 19 unrelated individuals with cardiomyopathy, some of whom harbored additional uncertain or pathogenic variants in MYBPC3 or other genes associated with cardiomyopathy (Alfares 2010, Burns 2017, Page 2012, van Velzen 2017, van Waning 2018, Viswanathan 2017, Walsh 2017, Zimmerman 2010). This variant also segregated with disease in seven individuals from two families, including four individuals with childhood onset of cardiomyopathy who were also compound heterozygous for a second pathogenic variant in MYBPC3 (Hoedemaekers 2010, Saltzman 2010). This variant is predicted to create a cryptic splice acceptor site (Alamut v.2.11), which is supported by a functional mini-gene assay (Ito 2017); however, the physiological relevance of these observation is unknown. This variant is reported in ClinVar (Variation ID: 42752) and is found in the non-Finnish European population with an allele frequency of 0.015% (13/83,936 alleles) in the Genome Aggregation Database. Based on available information, this variant is considered likely pathogenic.

Agnes Ginges Centre for Molecular Cardiology, Centenary Institute
Classification: Uncertain significance for Hypertrophic cardiomyopathy 4. Last evaluated: 2018-06-05. Review status: criteria provided, single submitter. Criteria: ACMG Guidelines, 2015. Collection method: research. Allele origin: germline. Inheritance: Autosomal dominant inheritance. Affected: yes.
Comment: This MYBPC3 Gly148Arg variant has previously been identified in association with HCM (Genedx, pers. comm., May 2017; LMM, pers. comm.; Meinke P, et al., 2014; Page SP, et al., 2012; Saltzman AJ, et al., 2010), Anderson Fabry disease (Page SP, et al., 2012) and LVNC (Hoedemaekers YM, et al., 2010). Two studies identified an additional variant known to be pathogenic in the families, although both families demonstrate that Gly148Arg alone may cause HCM (Saltzman AJ, et al., 2010; Hoedemaekers YM, et al., 2010). We have identified the variant in 2 HCM probands. MYBPC3 Gly148Arg has been observed resent in the Genome Aggregation Database at an allele frequency of 0.0000665, which is higher than expected for disease-causing HCM variants. The variant is also present in 2 of 3,600 individuals from the Framingham Heart Study (FHS) and Jackson Heart Study (JHS) cohorts (Bick AG, et al., 2012). This missense variant is predicted to be benign by in silico tools (SIFT, PolyPhen-HCM, MutationTaster, CADD). In summary the variant has been identified in numerous HCM probands, however due to the relatively high frequency in the general population these finding may be coincidental, furthermore in silico tools predict this variant to be benign, therefore due to the conflicting evidence we classify MYBPC3 Gly148Arg as a variant of "uncertain significance".

Phosphorus, Inc.
Classification: Likely pathogenic for Hypertrophic cardiomyopathy 4. Last evaluated: 2017-08-01. Review status: criteria provided, single submitter. Criteria: ACMG Guidelines, 2015. Collection method: clinical testing. Allele origin: germline. Observed: 1 variant allele.

Genome Diagnostics Laboratory, University Medical Center Utrecht
Classification: Pathogenic for Hypertrophic cardiomyopathy 4. Last evaluated: 2016-04-04. Review status: criteria provided, single submitter. Criteria: ACGS Guidelines, 2013. Collection method: clinical testing. Allele origin: germline. Affected: yes. Study: VKGL Data-share Consensus.

Clinical Genetics DNA and cytogenetics Diagnostics Lab, Erasmus MC, Erasmus Medical Center
Classification: Pathogenic for Hypertrophic cardiomyopathy 4. Last evaluated: 2015-09-21. Review status: criteria provided, single submitter. Criteria: ACGS Guidelines, 2013. Collection method: clinical testing. Allele origin: germline. Affected: yes. Study: VKGL Data-share Consensus.

Biesecker Lab/Clinical Genomics Section, National Institutes of Health
Classification: Uncertain significance. Last evaluated: 2013-06-24. Review status: criteria provided, single submitter. Criteria: Ng et al. (Circ Cardiovasc Genet. 2013). Collection method: research. Allele origin: unknown. Observed: 1 variant allele. Study: ClinSeq.
Comment: The study set was not selected for affection status in relation to any cancer. Pathogenicity categories were based on literature curation. See Pubmed ID:23861362 for details.

Medical sequencing

Clinical Genetics, Academic Medical Center
Classification: Pathogenic. Review status: no assertion criteria provided. Collection method: clinical testing. Allele origin: germline. Affected: yes. Study: VKGL Data-share Consensus. Not counted in ClinVar's aggregate classification.

Diagnostic Laboratory, Department of Genetics, University Medical Center Groningen
Classification: Pathogenic for Hypertrophic cardiomyopathy 4. Review status: no assertion criteria provided. Collection method: clinical testing. Allele origin: germline. Affected: yes. Study: VKGL Data-share Consensus. Not counted in ClinVar's aggregate classification.

Joint Genome Diagnostic Labs from Nijmegen and Maastricht, Radboudumc and MUMC+
Classification: Pathogenic. Review status: no assertion criteria provided. Collection method: clinical testing. Allele origin: germline. Affected: yes. Study: VKGL Data-share Consensus. Not counted in ClinVar's aggregate classification.

Literature cited by the submitters: PubMed 20378854 (cited by 11 submitters); PubMed 20530761 (cited by 11 submitters); PubMed 22267749 (cited by 11 submitters); PubMed 25210889 (cited by 8 submitters); PubMed 28794111 (cited by 5 submitters); PubMed 29447731 (cited by 5 submitters); PubMed 30763825 (cited by 3 submitters); PubMed 33662488 (cited by 7 submitters); PubMed 37652022 (cited by 4 submitters); PubMed 38642550 (cited by Ambry Genetics); PubMed 39633578 (cited by Ambry Genetics and Color Diagnostics, LLC DBA Color Health); PubMed 18409188 (cited by Women's Health and Genetics/Laboratory Corporation of America, LabCorp); PubMed 27532257 (cited by 10 submitters); PubMed 29121657 (cited by 7 submitters); PubMed 28679633 (cited by 7 submitters); PubMed 27650965 (cited by 8 submitters); PubMed 28790153 (cited by 5 submitters); PubMed 35288587 (cited by 6 submitters); PubMed 29661763 (cited by Women's Health and Genetics/Laboratory Corporation of America, LabCorp and Labcorp Genetics (formerly Invitae), Labcorp); PubMed 29709087 (cited by 6 submitters); PubMed 30847666 (cited by 5 submitters); PubMed 32369506 (cited by 3 submitters); PubMed 32480058 (cited by 3 submitters); PubMed 32588587 (cited by Labcorp Genetics (formerly Invitae), Labcorp); PubMed 23861362 (cited by 5 submitters); PubMed 31293105 (cited by 6 submitters); PubMed 33495596 (cited by Color Diagnostics, LLC DBA Color Health and All of Us Research Program, National Institutes of Health); PubMed 34389451 (cited by 3 submitters); PubMed 38489124 (cited by Color Diagnostics, LLC DBA Color Health); PubMed 38757491 (cited by Color Diagnostics, LLC DBA Color Health); PubMed 20474083 (cited by 5 submitters); PubMed 22958901 (cited by 3 submitters); PubMed 25335496 (cited by 4 submitters); PubMed 25611685 (cited by Mayo Clinic Laboratories, Mayo Clinic and Phosphorus, Inc.); PubMed 29988065 (cited by 4 submitters); PubMed 33782553 (cited by Mayo Clinic Laboratories, Mayo Clinic and North West Genomic Laboratory Hub, Manchester University NHS Foundation Trust); PubMed 36264615 (cited by Mayo Clinic Laboratories, Mayo Clinic and North West Genomic Laboratory Hub, Manchester University NHS Foundation Trust); PubMed 32841044 (cited by Victorian Clinical Genetics Services, Murdoch Childrens Research Institute and North West Genomic Laboratory Hub, Manchester University NHS Foundation Trust); PubMed 33495597 (cited by Victorian Clinical Genetics Services, Murdoch Childrens Research Institute); PubMed 33732734 (cited by Victorian Clinical Genetics Services, Murdoch Childrens Research Institute); PubMed 30291343 (cited by North West Genomic Laboratory Hub, Manchester University NHS Foundation Trust and AiLife Diagnostics); PubMed 18414213 (cited by Phosphorus, Inc.).